The following is an entry in ClinVar:

NM_014738.6(TMEM94):c.3347C>T (p.Pro1116Leu)

Gene: TMEM94 (transmembrane protein 94; plus strand). Cytogenetic location: 17q25.1.
Variant type: single nucleotide variant.
Coding change: c.3347C>T on transcript NM_014738.6 (MANE Select); coding-DNA position 3347, C replaced by T.
Protein change: p.Pro1116Leu; replaces proline 1116 with leucine.
Molecular consequence: missense variant.
Genome position (GRCh38, 1-based): chr17:75,497,138, C>T. VCF-style: chr17-75497138-C-T. GRCh37 (hg19) VCF-style: chr17-73493219-C-T.
Other names: c.3377C>T, p.Pro1126Leu (NM_001321148.2); c.3359C>T, p.Pro1120Leu (NM_001321149.2); c.3299C>T, p.Pro1100Leu (NM_001351202.2); c.3374C>T, p.Pro1125Leu (NM_001351203.2); short protein forms P1100L, P1116L, P1120L, P1125L, P1126L.
Identifiers: ClinVar variation 1321301 (VCV001321301.1), dbSNP rs1050889119, ClinGen allele CA294057377.

ClinVar aggregate classification (germline): Uncertain significance (1 of 4 stars; one submission).

Conditions:
Intellectual developmental disorder with cardiac defects and dysmorphic facies (IDDCDF). Identifiers: Orphanet 562569, MedGen C5193024, MONDO:0032672, OMIM 618316.

Allele frequency attached by ClinVar (database versions not stated): gnomAD exomes below 0.00001; gnomAD 0.00001; TOPMed 0.00001.
gnomAD v4.1: 8 of 1,613,930 alleles (0.0005%); highest among the groups gnomAD compares: Non-Finnish European, 0.00068%; no homozygotes.

Submission:

3billion
Classification: Uncertain significance for Intellectual developmental disorder with cardiac defects and dysmorphic facies. Last evaluated: 2021-10-25. Review status: criteria provided, single submitter. Criteria: ACMG Guidelines, 2015. Collection method: clinical testing. Allele origin: maternal. Affected: yes. Observed: 1 heterozygote.
Comment: The variant is observed at an extremely low frequency in the gnomAD v2.1.1 dataset (total allele frequency: 0.000004, PM2). In silico tool predictions suggest damaging effect of the variant on gene or gene product (REVEL: 0.826, PP3). Therefore, this variant is classified as uncertain significance according to the recommendation of ACMG/AMP guideline.